The following is an entry in ClinVar:

ClinVar aggregate classification (germline): Conflicting classifications of pathogenicity. Review status: criteria provided, conflicting classifications (1 of 4 stars). 3 submissions from 3 submitters: Pathogenic (1); Uncertain significance (2). Last evaluated 2023-04-20.

Conditions:
Aortic aneurysm, familial thoracic 4 (AAT4). Also called: AORTIC ANEURYSM/AORTIC DISSECTION AND PATENT DUCTUS ARTERIOSUS. Identifiers: MedGen C1851504, MONDO:0007568, OMIM 132900.
Familial thoracic aortic aneurysm and aortic dissection (TAAD). Also called: Thoracic aortic aneurysms and dissections. Identifiers: Orphanet 91387, MedGen C4707243, MONDO:0019625.

Submissions (3):

Color Diagnostics, LLC DBA Color Health
Classification: Uncertain significance for Familial thoracic aortic aneurysm and aortic dissection. Last evaluated: 2023-04-20. Review status: criteria provided, single submitter. Criteria: ACMG Guidelines, 2015. Collection method: clinical testing. Allele origin: germline.
Comment: This variant alters the intron 29 canonical splice donor site of the MYH11 gene. Splice site prediction tools predict that this variant may have a significant impact on RNA splicing. To our knowledge, RNAstudies have not been reported for this variant. This variant has not been reported in individuals affected with cardiovascular disorders in the literature. This variant has been identified in 2/249030 chromosomes in the general population by the Genome Aggregation Database (gnomAD). Clinical relevance of loss-of-function truncation and splice variants in the TMEM43 gene is not clearly established. The available evidence is insufficient to determine the role of this variant in disease conclusively. Therefore, this variant is classified as a Variant of Uncertain Significance.

Labcorp Genetics (formerly Invitae), Labcorp
Classification: Pathogenic for Aortic aneurysm, familial thoracic 4. Last evaluated: 2022-05-04. Review status: criteria provided, single submitter. Criteria: Invitae Variant Classification Sherloc (09022015). Collection method: clinical testing. Allele origin: germline.
Comment: For these reasons, this variant has been classified as Pathogenic. Algorithms developed to predict the effect of sequence changes on RNA splicing suggest that this variant may disrupt the consensus splice site. ClinVar contains an entry for this variant (Variation ID: 519953). This variant has not been reported in the literature in individuals affected with MYH11-related conditions. This variant is present in population databases (no rsID available, gnomAD 0.002%). This sequence change creates a premature translational stop signal (p.Asn1294Alafs*3) in the MYH11 gene. It is expected to result in an absent or disrupted protein product. Loss-of-function variants in MYH11 are known to be pathogenic (PMID: 25407000, 29575632).

Ambry Genetics
Classification: Uncertain significance for Familial thoracic aortic aneurysm and aortic dissection. Last evaluated: 2017-08-23. Review status: criteria provided, single submitter. Criteria: Ambry Variant Classification Scheme 2023. Collection method: clinical testing. Allele origin: germline.
Comment: The c.3856_3858+1dupCAGG variant, located at the boundary of coding exon 27 and intron 27 of the MYH11 gene, results from a duplication of four nucleotides between nucleotide positions 3856 and 3858+1. Using the BDGP and ESEfinder splice site prediction tools, this alteration is predicted to abolish the native splice donor site while creating a new downstream alternate splice donor site; however, direct experimental evidence is unavailable. Alterations that disrupt the canonical splice donor site are typically deleterious in nature; however, loss of function of MYH11 has not been clearly established as a mechanism of disease. Since supporting evidence is limited at this time, the clinical significance of this alteration remains unclear.

Literature cited by the submitters: PubMed 25407000 (cited by Labcorp Genetics (formerly Invitae), Labcorp); PubMed 29575632 (cited by Labcorp Genetics (formerly Invitae), Labcorp).

NM_002474.3(MYH11):c.3856_3858+1dup

Gene: MYH11 (myosin heavy chain 11; minus strand). Cytogenetic location: 16p13.11.
Variant type: Duplication.
Coding change: c.3856_3858+1dup on transcript NM_002474.3 (MANE Select); coding-DNA position 3856 through the canonical splice donor site of the intron after coding-DNA position 3858, 4 bases duplicated (CAGG; older notation c.3856_3858+1dupCAGG).
Molecular consequence: splice donor variant.
Genome position (GRCh38, 1-based): chr16:15,726,847-15,726,850, CCTG duplicated on the plus strand (CAGG on the coding strand, the reverse complement: MYH11 is on the minus strand); duplicating any 4 consecutive bases within chr16:15,726,847-15,726,851 gives the same sequence; the c. name uses the placement nearest the transcript's 3' end. VCF-style (leftmost placement, unchanged base first): chr16-15726846-A-ACCTG. GRCh37 (hg19) VCF-style: chr16-15820703-A-ACCTG.
Other names: c.3856_3858+1dup (NM_022844.3); c.3877_3879+1dup (NM_001040114.2, NM_001040113.2, NM_001040113.1).
Identifiers: ClinVar variation 519953 (VCV000519953.17), dbSNP rs1013512621, ClinGen allele CA278609322.
Genomic context (GRCh38, chr16:15,726,846, plus strand): 5'-CCTCCCCACAGAACTGGGCACCACCCAGCACTGCCCACCACACCACCGCGCCACCTCCTC[A>ACCTG]CCTGCAGCTTGTGGACTTTGTCATTGAGCTCCGCCCGGGCCCGCTCCCCATCGCTGCACT-3'